The following is an entry in ClinVar:

ClinVar aggregate classification (germline): Pathogenic (1 of 4 stars; one submission).

Conditions:
MHC class II deficiency. Also called: BLS, TYPE II; Bare lymphocyte syndrome 2. Identifiers: Orphanet 572, MedGen C5447452, MONDO:0008855.

Submission:

Labcorp Genetics (formerly Invitae), Labcorp
Classification: Pathogenic for MHC class II deficiency. Last evaluated: 2025-09-30. Review status: criteria provided, single submitter. Criteria: Invitae Variant Classification Sherloc (09022015). Collection method: clinical testing. Allele origin: germline.
Comment: This sequence change creates a premature translational stop signal (p.Glu82*) in the RFXAP gene. It is expected to result in an absent or disrupted protein product. Loss-of-function variants in RFXAP are known to be pathogenic (PMID: 9118943, 22390233). This variant is not present in population databases (gnomAD no frequency). This variant has not been reported in the literature in individuals affected with RFXAP-related conditions. For these reasons, this variant has been classified as Pathogenic.

Literature cited by the submitters: PubMed 9118943; PubMed 22390233.

NM_000538.4(RFXAP):c.244G>T (p.Glu82Ter)

Gene: RFXAP (regulatory factor X associated protein; plus strand). Cytogenetic location: 13q13.3.
Variant type: single nucleotide variant.
Coding change: c.244G>T on transcript NM_000538.4 (MANE Select); coding-DNA position 244, G replaced by T.
Protein change: p.Glu82Ter; replaces glutamic acid 82 with a stop codon.
Molecular consequence: nonsense.
Genome position (GRCh38, 1-based): chr13:36,819,601, G>T. VCF-style: chr13-36819601-G-T. GRCh37 (hg19) VCF-style: chr13-37393738-G-T.
Other names: short protein forms E82*.
Identifiers: ClinVar variation 4725937 (VCV004725937.1).
Genomic context (GRCh38, chr13:36,819,601, plus strand): 5'-GGGGGCAGCGTTGGGGCGGGCAAGCCCGTTAGGTACCTGTGCGAAGGGGCCGGGGATGGC[G>T]AAGAGGAGGCTGGGGAGGACGAGGCGGACCTGTTAGACACTTCGGACCCTCCGGGGGGAG-3'